The following is an entry in ClinVar:

ClinVar aggregate classification (germline): Uncertain significance. Review status: criteria provided, multiple submitters, no conflicts (2 of 4 stars). 4 submissions from 4 submitters: Uncertain significance (4). Last evaluated 2026-07-19.

Conditions:
Inborn genetic diseases. Identifiers: MedGen C0950123, MeSH D030342.

Allele frequency attached by ClinVar (database versions not stated): gnomAD 0.00001; TOPMed 0.00001.
gnomAD v4.1: 1 of 1,613,788 alleles (0.000062%); no homozygotes.

Submissions (4):

GeneDx
Classification: Uncertain significance. Last evaluated: 2026-07-19. Review status: criteria provided, single submitter. Criteria: GeneDx Variant Classification Process June 2021. Collection method: clinical testing. Allele origin: germline.
Comment: Not observed at significant frequency in large population cohorts (gnomAD); In silico analysis supports that this missense variant has a deleterious effect on protein structure/function; Has not been previously published as pathogenic or benign to our knowledge

Ambry Genetics
Classification: Uncertain significance for Inborn genetic diseases. Last evaluated: 2025-08-14. Review status: criteria provided, single submitter. Criteria: Ambry Variant Classification Scheme 2023. Collection method: clinical testing. Allele origin: germline.

Labcorp Genetics (formerly Invitae), Labcorp
Classification: Uncertain significance. Last evaluated: 2025-04-14. Review status: criteria provided, single submitter. Criteria: Invitae Variant Classification Sherloc (09022015). Collection method: clinical testing. Allele origin: germline.
Comment: This sequence change replaces asparagine, which is neutral and polar, with serine, which is neutral and polar, at codon 1743 of the SCN3A protein (p.Asn1743Ser). This variant is not present in population databases (gnomAD no frequency). This variant has not been reported in the literature in individuals affected with SCN3A-related conditions. ClinVar contains an entry for this variant (Variation ID: 1418821). Invitae Evidence Modeling of protein sequence and biophysical properties (such as structural, functional, and spatial information, amino acid conservation, physicochemical variation, residue mobility, and thermodynamic stability) indicates that this missense variant is not expected to disrupt SCN3A protein function with a negative predictive value of 95%. In summary, the available evidence is currently insufficient to determine the role of this variant in disease. Therefore, it has been classified as a Variant of Uncertain Significance.

Revvity Omics, Revvity
Classification: Uncertain significance. Last evaluated: 2024-06-04. Review status: criteria provided, single submitter. Criteria: ACMG Guidelines, 2015. Collection method: clinical testing. Allele origin: germline.

NM_006922.4(SCN3A):c.5228A>G (p.Asn1743Ser)

Gene: SCN3A (sodium voltage-gated channel alpha subunit 3; minus strand). Cytogenetic location: 2q24.3.
Variant type: single nucleotide variant.
Coding change: c.5228A>G on transcript NM_006922.4 (MANE Select); coding-DNA position 5228, A replaced by G.
Protein change: p.Asn1743Ser; replaces asparagine 1743 with serine.
Molecular consequence: missense variant.
Genome position (GRCh38, 1-based): chr2:165,090,925, T>C on the plus strand (A>G on the coding strand, the complement: SCN3A is on the minus strand). VCF-style: chr2-165090925-T-C. GRCh37 (hg19) VCF-style: chr2-165947435-T-C.
Other names: c.5081A>G, p.Asn1694Ser (NM_001081676.2, NM_001081677.2); c.5228A>G (NM_006922.3); short protein forms N1743S, N1694S.
Identifiers: ClinVar variation 1418821 (VCV001418821.9), dbSNP rs1685063887, ClinGen allele CA349016682.